The following is an entry in ClinVar:

NC_000022.10:g.(?_19743473)_(19929346_?)dup

Genes: COMT (catechol-O-methyltransferase; plus strand), GNB1L (G protein subunit beta 1 like; minus strand), RTL10 (retrotransposon Gag like 10; minus strand), TBX1 (T-box transcription factor 1; plus strand), TXNRD2 (thioredoxin reductase 2; minus strand) and 4 more. Cytogenetic location: 22q11.21.
Variant type: Duplication.
Identifiers: ClinVar variation 524935 (VCV000524935.1).

ClinVar aggregate classification (germline): Uncertain significance (1 of 4 stars; one submission).

Conditions:
Primary dilated cardiomyopathy (DCM). Also called: Dilated Cardiomyopathy. Identifiers: Orphanet 217604, MedGen C0007193, MeSH D002311, MONDO:0005021, HP:0001644. Inheritance: Various modes of inheritance.

Submission:

Labcorp Genetics (formerly Invitae), Labcorp
Classification: Uncertain significance for Primary dilated cardiomyopathy. Last evaluated: 2018-03-27. Review status: criteria provided, single submitter. Criteria: Invitae Variant Classification Sherloc (09022015). Collection method: clinical testing. Allele origin: germline.
Comment: A gross duplication of the genomic region encompassing the full coding sequence of the TXNRD2 gene has been identified. The boundaries of this event are unknown as the duplication extends beyond the assayed region for this gene and therefore may encompass additional genes. As the precise location of this duplication is unknown, it may be in tandem or it may be located elsewhere in the genome. This variant has not been reported in the literature in individuals with TXNRD2-related disease. Experimental studies and prediction algorithms are not available for this variant, and the functional significance of the duplicated amino acid(s) is currently unknown. In summary, the available evidence is currently insufficient to determine the role of this variant in disease. Therefore, it has been classified as a Variant of Uncertain Significance.